The following is an entry in ClinVar:

ClinVar aggregate classification (germline): Conflicting classifications of pathogenicity. Review status: criteria provided, conflicting classifications (1 of 4 stars). 9 submissions from 9 submitters: Uncertain significance (1); Benign (2); Likely benign (3). 3 of the submissions do not count toward it. Last evaluated 2026-05-12.

Conditions:
Inborn genetic diseases. Identifiers: MedGen C0950123, MeSH D030342.
Hypogonadotropic hypogonadism 3 with or without anosmia (HH3). Also called: PROKR2-Related GnRH Deficiency (Kallmann Syndrome 3); HYPOGONADOTROPIC HYPOGONADISM 3 WITH ANOSMIA. Identifiers: Orphanet 478, MedGen C3550478, MONDO:0009482, OMIM 244200.

Allele frequency attached by ClinVar (database versions not stated): ESP Exome Variant Server 0.00077; TOPMed 0.00110; gnomAD exomes 0.00215 and 0.00449; gnomAD 0.00303 and 0.00320; ExAC 0.00419; 1000 Genomes Project 30x 0.00562; 1000 Genomes Project 0.00679.
gnomAD v4.1: 3,639 of 1,614,074 alleles (0.23%); highest among the groups gnomAD compares: East Asian, 0.98%; 28 homozygotes.

Submissions (9):

Women's Health and Genetics/Laboratory Corporation of America, LabCorp
Classification: Likely benign. Last evaluated: 2026-05-12. Review status: criteria provided, single submitter. Criteria: LabCorp Variant Classification Summary - May 2015. Collection method: clinical testing. Allele origin: germline.

Labcorp Genetics (formerly Invitae), Labcorp
Classification: Benign. Last evaluated: 2026-01-07. Review status: criteria provided, single submitter. Criteria: Invitae Variant Classification Sherloc (09022015). Collection method: clinical testing. Allele origin: germline.

CeGaT Center for Human Genetics Tuebingen
Classification: Likely benign. Last evaluated: 2025-02-01. Review status: criteria provided, single submitter. Criteria: CeGaT Center For Human Genetics Tuebingen Variant Classification Criteria Version 2. Collection method: clinical testing. Allele origin: germline. Affected: yes. Observed: 2 variant alleles.
Comment: PROKR2: BP4, BS2

Blueprint Genetics
Classification: Likely benign. Last evaluated: 2024-11-28. Review status: criteria provided, single submitter. Criteria: ACMG Guidelines, 2015. Collection method: clinical testing. Allele origin: germline.

Illumina Laboratory Services, Illumina
Classification: Benign for Hypogonadotropic hypogonadism 3 with or without anosmia. Last evaluated: 2018-03-06. Review status: criteria provided, single submitter. Criteria: ICSL Variant Classification Criteria 13 December 2019. Collection method: clinical testing. Allele origin: germline.
Comment: This variant was observed in the ICSL laboratory as part of a predisposition screen in an ostensibly healthy population. It had not been previously curated by ICSL or reported in the Human Gene Mutation Database (HGMD: prior to June 1st, 2018), and was therefore a candidate for classification through an automated scoring system. Utilizing variant allele frequency, disease prevalence and penetrance estimates, and inheritance mode, an automated score was calculated to assess if this variant is too frequent to cause the disease. Based on the score and internal cut-off values, a variant classified as benign is not then subjected to further curation. The score for this variant resulted in a classification of benign for this disease.

Ambry Genetics
Classification: Uncertain significance for Hereditary disease. Last evaluated: 2015-01-30. Review status: criteria provided, single submitter. Criteria: ambry_reporting_categories_2017. Collection method: clinical testing. Allele origin: germline. Affected: yes. Observed: 1 heterozygote. Segregation with disease observed.
Comment: Lines of evidence used in support of classification: CANDIDATE: Alteration(s) of Potential Clinical Relevance Detected

Clinical Genetics, Academic Medical Center
Classification: Benign. Review status: no assertion criteria provided. Collection method: clinical testing. Allele origin: germline. Affected: yes. Study: VKGL Data-share Consensus. Not counted in ClinVar's aggregate classification.

Joint Genome Diagnostic Labs from Nijmegen and Maastricht, Radboudumc and MUMC+
Classification: Likely benign. Review status: no assertion criteria provided. Collection method: clinical testing. Allele origin: germline. Affected: yes. Study: VKGL Data-share Consensus. Not counted in ClinVar's aggregate classification.

Laboratory of Diagnostic Genome Analysis, Leiden University Medical Center (LUMC)
Classification: Likely benign. Review status: no assertion criteria provided. Collection method: clinical testing. Allele origin: germline. Affected: yes. Study: VKGL Data-share Consensus. Not counted in ClinVar's aggregate classification.

Literature cited by the submitters: PubMed 21858136 (cited by Ambry Genetics); PubMed 8954047 (cited by Ambry Genetics); PubMed 20696889 (cited by Ambry Genetics); PubMed 24031091 (cited by Ambry Genetics); PubMed 20022991 (cited by Ambry Genetics); PubMed 22466334 (cited by Ambry Genetics); PubMed 18826963 (cited by Ambry Genetics); PubMed 23386640 (cited by Ambry Genetics); PubMed 4276467 (cited by Ambry Genetics); PubMed 11259612 (cited by Ambry Genetics); PubMed 22927827 (cited by Ambry Genetics); PubMed 23596439 (cited by Ambry Genetics); PubMed 17054399 (cited by Ambry Genetics); PubMed 23533228 (cited by Ambry Genetics); PubMed 18559922 (cited by Ambry Genetics).

NM_144773.4(PROKR2):c.151G>A (p.Ala51Thr)

Gene: PROKR2 (prokineticin receptor 2; minus strand). Cytogenetic location: 20p12.3.
Variant type: single nucleotide variant.
Coding change: c.151G>A on transcript NM_144773.4 (MANE Select); coding-DNA position 151, G replaced by A.
Protein change: p.Ala51Thr; replaces alanine 51 with threonine.
Molecular consequence: missense variant.
Genome position (GRCh38, 1-based): chr20:5,314,219, C>T on the plus strand (G>A on the coding strand, the complement: PROKR2 is on the minus strand). VCF-style: chr20-5314219-C-T. GRCh37 (hg19) VCF-style: chr20-5294865-C-T.
Other names: short protein forms A51T.
Identifiers: ClinVar variation 338865 (VCV000338865.47), dbSNP rs144994507, ClinGen allele CA9754423.